The following is an entry in ClinVar:

ClinVar aggregate classification (germline): Likely benign (0 of 4 stars; one submission).

Conditions:
RYR1-related disorder. Also called: RYR1-related condition; RYR1-related disorders. Identifiers: MedGen CN239331.

Submission:

PreventionGenetics, part of Exact Sciences
Classification: Likely benign for RYR1-related condition. Last evaluated: 2022-11-07. Review status: no assertion criteria provided. Collection method: clinical testing. Allele origin: germline.
Comment: This variant is classified as likely benign based on ACMG/AMP sequence variant interpretation guidelines (Richards et al. 2015 PMID: 25741868, with internal and published modifications).

NM_000540.3(RYR1):c.12993A>T (p.Ala4331=)

Gene: RYR1 (ryanodine receptor 1; plus strand). Cytogenetic location: 19q13.2.
Variant type: single nucleotide variant.
Coding change: c.12993A>T on transcript NM_000540.3 (MANE Select); coding-DNA position 12993, A replaced by T.
Protein change: p.Ala4331=; no amino-acid change (alanine 4331 retained).
Molecular consequence: synonymous variant.
Genome position (GRCh38, 1-based): chr19:38,565,327, A>T. VCF-style: chr19-38565327-A-T. GRCh37 (hg19) VCF-style: chr19-39055967-A-T.
Other names: c.12978A>T, p.Ala4326= (NM_001042723.2).
Identifiers: ClinVar variation 3044216 (VCV003044216.2), dbSNP rs2514677921, ClinGen allele CA507355752.